The following is an entry in ClinVar:

NM_007194.4(CHEK2):c.445-11C>T

Gene: CHEK2 (checkpoint kinase 2; minus strand). Cytogenetic location: 22q12.1.
Variant type: single nucleotide variant.
Coding change: c.445-11C>T on transcript NM_007194.4 (MANE Select); 11 bases into the intron before coding-DNA position 445, C replaced by T.
Molecular consequence: intron variant.
Genome position (GRCh38, 1-based): chr22:28,725,135, G>A on the plus strand (C>T on the coding strand, the complement: CHEK2 is on the minus strand). VCF-style: chr22-28725135-G-A. GRCh37 (hg19) VCF-style: chr22-29121123-G-A.
Other names: c.-219-11C>T (NM_001437942.1); c.444+108C>T (NM_001349956.3); c.445-11C>T (NM_145862.3); c.-333-11C>T (NM_001257387.3); c.538-11C>T (NM_001438295.1, NM_001438293.1); c.574-11C>T (NM_001438294.1, NM_001005735.3).
Identifiers: ClinVar variation 629117 (VCV000629117.13), dbSNP rs1024561307, ClinGen allele CA638954372.

ClinVar aggregate classification (germline): Conflicting classifications of pathogenicity. Review status: criteria provided, conflicting classifications (1 of 4 stars). 3 submissions from 3 submitters: Uncertain significance (1); Likely benign (2). Last evaluated 2024-10-06.

Conditions:
Hereditary cancer-predisposing syndrome. Also called: Neoplastic Syndromes, Hereditary; Tumor predisposition; Hereditary neoplastic syndrome; Hereditary Cancer Syndrome. Identifiers: Orphanet 140162, MedGen C0027672, MeSH D009386, MONDO:0015356.
Familial cancer of breast. Also called: BREAST CANCER, FAMILIAL; Hereditary breast cancer; hereditary breast carcinoma. Identifiers: Orphanet 227535, MedGen C0346153, MONDO:0016419, OMIM 114480. Disease mechanism: loss of function.

Allele frequency attached by ClinVar (database versions not stated): gnomAD exomes below 0.00001.
gnomAD v4.1: 3 of 1,613,898 alleles (0.00019%); highest among the groups gnomAD compares: African/African-American, 0.0013%; no homozygotes.

Submissions (3):

Labcorp Genetics (formerly Invitae), Labcorp
Classification: Likely benign for Familial cancer of breast. Last evaluated: 2024-10-06. Review status: criteria provided, single submitter. Criteria: Invitae Variant Classification Sherloc (09022015). Collection method: clinical testing. Allele origin: germline.

Myriad Genetics, Inc.
Classification: Likely benign for Familial cancer of breast. Last evaluated: 2024-10-02. Review status: criteria provided, single submitter. Criteria: Myriad Autosomal Dominant, Autosomal Recessive and X-Linked Classification Criteria (2023). Collection method: clinical testing. Allele origin: unknown.
Comment: This variant is considered likely benign. This variant is intronic and is not expected to impact mRNA splicing.

Color Diagnostics, LLC DBA Color Health
Classification: Uncertain significance for Hereditary cancer-predisposing syndrome. Last evaluated: 2019-02-27. Review status: criteria provided, single submitter. Criteria: ACMG Guidelines, 2015. Collection method: clinical testing. Allele origin: germline.